The following is an entry in ClinVar:

ClinVar aggregate classification (germline): Likely pathogenic (1 of 4 stars; one submission).

Submission:

GeneDx
Classification: Likely pathogenic. Last evaluated: 2023-04-13. Review status: criteria provided, single submitter. Criteria: GeneDx Variant Classification Process June 2021. Collection method: clinical testing. Allele origin: germline.
Comment: Not observed at significant frequency in large population cohorts (gnomAD); In silico analysis supports that this missense variant has a deleterious effect on protein structure/function; Has not been previously published as pathogenic or benign to our knowledge

NM_004958.4(MTOR):c.4451T>C (p.Leu1484Pro)

Gene: MTOR (mechanistic target of rapamycin kinase; minus strand). Cytogenetic location: 1p36.22.
Variant type: single nucleotide variant.
Coding change: c.4451T>C on transcript NM_004958.4 (MANE Select); coding-DNA position 4451, T replaced by C.
Protein change: p.Leu1484Pro; replaces leucine 1484 with proline.
Molecular consequence: missense variant.
Genome position (GRCh38, 1-based): chr1:11,157,170, A>G on the plus strand (T>C on the coding strand, the complement: MTOR is on the minus strand). VCF-style: chr1-11157170-A-G. GRCh37 (hg19) VCF-style: chr1-11217227-A-G.
Other names: c.4451T>C, p.Leu1484Pro (NM_001386500.1); c.3203T>C, p.Leu1068Pro (NM_001386501.1); short protein forms L1068P, L1484P.
Identifiers: ClinVar variation 2430395 (VCV002430395.2), dbSNP rs2100567042, ClinGen allele CA338371543.